The following is an entry in ClinVar:

NM_001267550.2(TTN):c.36183T>G (p.Pro12061=)

Gene: TTN (titin; minus strand). Cytogenetic location: 2q31.2.
Variant type: single nucleotide variant.
Coding change: c.36183T>G on transcript NM_001267550.2 (MANE Select); coding-DNA position 36183, T replaced by G.
Protein change: p.Pro12061=; no amino-acid change (proline 12061 retained).
Molecular consequence: synonymous variant. On other transcripts: intron variant (5).
Genome position (GRCh38, 1-based): chr2:178,664,673, A>C on the plus strand (T>G on the coding strand, the complement: TTN is on the minus strand). VCF-style: chr2-178664673-A-C. GRCh37 (hg19) VCF-style: chr2-179529400-A-C.
Other names: c.13283-22356T>G (NM_003319.4); c.13859-22356T>G (NM_133437.4); c.13658-22356T>G (NM_133432.3); c.31484-1618T>G (NM_133378.4); c.34265-1618T>G (NM_001256850.1).
Identifiers: ClinVar variation 699059 (VCV000699059.32), dbSNP rs879036307, ClinGen allele CA60974773.

ClinVar aggregate classification (germline): Benign/Likely benign. Review status: criteria provided, multiple submitters, no conflicts (2 of 4 stars). 3 submissions from 3 submitters: Benign (1); Likely benign (2). Last evaluated 2026-01-26.

Conditions:
Autosomal recessive limb-girdle muscular dystrophy type 2J (LGMDR10). Also called: Limb-girdle muscular dystrophy, type 2J; MUSCULAR DYSTROPHY, LIMB-GIRDLE, AUTOSOMAL RECESSIVE 10. Identifiers: Orphanet 140922, MedGen C1837342, MONDO:0012127, OMIM 608807.
Dilated cardiomyopathy 1G (CMD1G). Identifiers: Orphanet 154, MedGen C1858763, MONDO:0011400, OMIM 604145.

Allele frequency attached by ClinVar (database versions not stated): gnomAD 0.00001; gnomAD exomes 0.00001 and 0.00002; TOPMed 0.00002.
gnomAD v4.1: 23 of 1,612,442 alleles (0.0014%); highest among the groups gnomAD compares: Middle Eastern, 0.016%; no homozygotes.

Submissions (3):

Labcorp Genetics (formerly Invitae), Labcorp
Classification: Likely benign for Dilated cardiomyopathy 1G; Autosomal recessive limb-girdle muscular dystrophy type 2J. Last evaluated: 2026-01-26. Review status: criteria provided, single submitter. Criteria: Invitae Variant Classification Sherloc (09022015). Collection method: clinical testing. Allele origin: germline.

CeGaT Center for Human Genetics Tuebingen
Classification: Likely benign. Last evaluated: 2023-06-01. Review status: criteria provided, single submitter. Criteria: CeGaT Center For Human Genetics Tuebingen Variant Classification Criteria Version 2. Collection method: clinical testing. Allele origin: germline. Affected: yes. Observed: 1 variant allele.
Comment: TTN: BP4, BP7

Blueprint Genetics
Classification: Benign. Last evaluated: 2023-01-04. Review status: criteria provided, single submitter. Criteria: ACMG Guidelines, 2015. Collection method: clinical testing. Allele origin: germline.